The following is an entry in ClinVar:

NM_000937.5(POLR2A):c.2116A>G (p.Ile706Val)

Gene: POLR2A (RNA polymerase II subunit A; plus strand). Cytogenetic location: 17p13.1.
Variant type: single nucleotide variant.
Coding change: c.2116A>G on transcript NM_000937.5 (MANE Select); coding-DNA position 2116, A replaced by G.
Protein change: p.Ile706Val; replaces isoleucine 706 with valine.
Molecular consequence: missense variant.
Genome position (GRCh38, 1-based): chr17:7,501,354, A>G. VCF-style: chr17-7501354-A-G. GRCh37 (hg19) VCF-style: chr17-7404673-A-G.
Other names: short protein forms I706V.
Identifiers: ClinVar variation 3367401 (VCV003367401.1).

ClinVar aggregate classification (germline): Uncertain significance (1 of 4 stars; one submission).

Submission:

GeneDx
Classification: Uncertain significance. Last evaluated: 2023-12-30. Review status: criteria provided, single submitter. Criteria: GeneDx Variant Classification Process June 2021. Collection method: clinical testing. Allele origin: germline. Affected: yes.
Comment: Not observed at significant frequency in large population cohorts (gnomAD); In silico analysis supports that this missense variant has a deleterious effect on protein structure/function; Has not been previously published as pathogenic or benign to our knowledge